The following is an entry in ClinVar:

ClinVar aggregate classification (germline): Uncertain significance (1 of 4 stars; one submission).

Conditions:
Hereditary cancer-predisposing syndrome. Also called: Neoplastic Syndromes, Hereditary; Tumor predisposition; Hereditary neoplastic syndrome; Hereditary Cancer Syndrome. Identifiers: Orphanet 140162, MedGen C0027672, MeSH D009386, MONDO:0015356.

gnomAD v4.1: 2 of 1,613,928 alleles (0.00012%); highest among the groups gnomAD compares: Non-Finnish European, 0.00017%; no homozygotes.

Submission:

Ambry Genetics
Classification: Uncertain significance for Hereditary cancer-predisposing syndrome. Last evaluated: 2026-07-07. Review status: criteria provided, single submitter. Criteria: Ambry Variant Classification Scheme 2023. Collection method: clinical testing. Allele origin: germline.
Comment: The p.I188V variant (also known as c.562A>G), located in coding exon 3 of the PDGFRA gene, results from an A to G substitution at nucleotide position 562. The isoleucine at codon 188 is replaced by valine, an amino acid with highly similar properties. This amino acid position is conserved. In addition, this alteration is predicted to be tolerated by in silico analysis. Based on the available evidence, the clinical significance of this variant remains unclear.

NM_006206.6(PDGFRA):c.562A>G (p.Ile188Val)

Gene: PDGFRA (platelet derived growth factor receptor alpha; plus strand). Cytogenetic location: 4q12.
Variant type: single nucleotide variant.
Coding change: c.562A>G on transcript NM_006206.6 (MANE Select); coding-DNA position 562, A replaced by G.
Protein change: p.Ile188Val; replaces isoleucine 188 with valine.
Molecular consequence: missense variant.
Genome position (GRCh38, 1-based): chr4:54,263,861, A>G. VCF-style: chr4-54263861-A-G. GRCh37 (hg19) VCF-style: chr4-55130028-A-G.
Other names: c.562A>G, p.Ile188Val (NM_001347827.2, NM_001347829.2); c.637A>G, p.Ile213Val (NM_001347828.2); c.601A>G, p.Ile201Val (NM_001347830.2); short protein forms I201V, I213V, I188V.
Identifiers: ClinVar variation 5026393 (VCV005026393.1).